The following is an entry in ClinVar:

NM_000459.5(TEK):c.3329_3347delinsGAAGTTACTTA (p.Lys1110fs)

Gene: TEK (TEK receptor tyrosine kinase; plus strand). Cytogenetic location: 9p21.2.
Variant type: Indel.
Coding change: c.3329_3347delinsGAAGTTACTTA on transcript NM_000459.5 (MANE Select); coding-DNA positions 3329 to 3347, AGTTTACTTATGCAGGAAT replaced by GAAGTTACTTA.
Protein change: p.Lys1110fs; shifts the reading frame from lysine 1110.
Molecular consequence: frameshift variant.
Genome position (GRCh38, 1-based): chr9:27,229,186-27,229,204, AGTTTACTTATGCAGGAAT replaced by GAAGTTACTTA. VCF-style: chr9-27229186-AGTTTACTTATGCAGGAAT-GAAGTTACTTA. GRCh37 (hg19) VCF-style: chr9-27229184-AGTTTACTTATGCAGGAAT-GAAGTTACTTA.
Other names: c.3200_3218delinsGAAGTTACTTA, p.Lys1067fs (NM_001290077.2); c.2885_2903delinsGAAGTTACTTA, p.Lys962fs (NM_001290078.2); c.3326_3344delinsGAAGTTACTTA, p.Lys1109fs (NM_001375475.1); c.3197_3215delinsGAAGTTACTTA, p.Lys1066fs (NM_001375476.1); short protein forms K962fs, K1066fs, K1067fs, K1110fs, K1109fs.
Identifiers: ClinVar variation 4974554 (VCV004974554.1).

ClinVar aggregate classification (germline): Likely pathogenic (1 of 4 stars; one submission).

Conditions:
Vascular malformation. Also called: Vascular malformations. Identifiers: MedGen C0158570, MONDO:0024291.

Submission:

Clinical Genomics Laboratory, Washington University in St. Louis
Classification: Likely pathogenic for Vascular malformation. Last evaluated: 2025-12-23. Review status: criteria provided, single submitter. Criteria: Leon-Quintero et al. (Clin Genet. 2025). Collection method: clinical testing. Allele origin: somatic. Affected: yes.
Comment: A TEK c.3329_3347delinsGAAGTTACTTA (p.Lys1110Argfs*5) variant was identified at an allelic fraction consistent with somatic origin. This variant causes a change in the amino acid sequence from lysine to arginine at position 1110, leading to a premature termination codon five amino acids downstream. However, because this occurs in the last exon, it is not predicted to lead to nonsense-mediated decay. This exact variant, to our knowledge, has not been reported in the medical literature, however, several other similar frameshift and nonsense variants at this amino acid and nearby residues have been reported in patients with vascular malformations and are considered likely pathogenic/pathogenic (McNulty SN et al., PMID: 31585106; Nätynki M et al., PMID: 26319232; Limaye N et al., PMID: 26637981; Soblet J et al., PMID: 23801934; Revencu N et al., PMID: 38778413; Hirose K et al., PMID: 38367816). It is absent from the general population (gnomAD v.4.1.0), indicating it is not a common variant and resides within the C-terminal tail of TIE2, which is defined as a critical functional domain (Du Z et al., PMID: 28818232; Shewchuk LM et al., PMID: 11080633). Functional studies on truncating variants in exon 23 of TEK (carboxy terminus of Tie2) demonstrated ligand-independent hyperphosphorylation of the Tie2 receptor, which is predicted to disrupt an autoinhibitory mechanism involving the C terminal region of Tie2 and thus resulting in constitutive activation of the downstream AKT signaling pathway (Nätynki M et al., PMID: 26319232; Soblet J et al., PMID: 23801934; Niu XL et al., PMID: 12082108). Based on available information and an internally developed protocol informed by the ACMG/AMP guidelines for variant interpretation and gene-specific practices from the ClinGen Criteria Specification Registry (Leon-Quintero FZ et al., PMID: 39434542), the TEK c.3329_3347delinsGAAGTTACTTA (p.Lys1110Argfs*5) variant is classified as likely pathogenic.